The following is an entry in ClinVar:

NM_000143.4(FH):c.559T>C (p.Ser187Pro)

Gene: FH (fumarate hydratase; minus strand). Cytogenetic location: 1q43.
Variant type: single nucleotide variant.
Coding change: c.559T>C on transcript NM_000143.4 (MANE Select); coding-DNA position 559, T replaced by C.
Protein change: p.Ser187Pro; replaces serine 187 with proline.
Molecular consequence: missense variant.
Genome position (GRCh38, 1-based): chr1:241,508,782, A>G on the plus strand (T>C on the coding strand, the complement: FH is on the minus strand). VCF-style: chr1-241508782-A-G. GRCh37 (hg19) VCF-style: chr1-241672082-A-G.
Other names: short protein forms S187P.
Identifiers: ClinVar variation 3230452 (VCV003230452.1), dbSNP rs2527327592, ClinGen allele CA345439503.

ClinVar aggregate classification (germline): Likely pathogenic (1 of 4 stars; one submission).

Conditions:
Hereditary cancer-predisposing syndrome. Also called: Neoplastic Syndromes, Hereditary; Tumor predisposition; Hereditary neoplastic syndrome; Hereditary Cancer Syndrome. Identifiers: Orphanet 140162, MedGen C0027672, MeSH D009386, MONDO:0015356.

Submission:

Ambry Genetics
Classification: Likely pathogenic for Hereditary cancer-predisposing syndrome. Last evaluated: 2024-02-29. Review status: criteria provided, single submitter. Criteria: Ambry Variant Classification Scheme 2023. Collection method: clinical testing. Allele origin: germline.
Comment: The p.S187P variant (also known as c.559T>C), located in coding exon 5 of the FH gene, results from a T to C substitution at nucleotide position 559. The serine at codon 187 is replaced by proline, an amino acid with similar properties. This variant has been observed in at least one individual with a personal and/or family history that is consistent with hereditary leiomyomatosis and renal cell cancer (Ambry internal data). This amino acid position is highly conserved in available vertebrate species. In addition, this alteration is predicted to be deleterious by in silico analysis. This variant is considered to be rare based on population cohorts in the Genome Aggregation Database (gnomAD). Based on the majority of available evidence to date, this variant is likely to be pathogenic.